The following is an entry in ClinVar:

ClinVar aggregate classification (germline): Uncertain significance. Review status: criteria provided, multiple submitters, no conflicts (2 of 4 stars). 2 submissions from 2 submitters: Uncertain significance (2). Last evaluated 2025-05-16.

Conditions:
Inborn genetic diseases. Identifiers: MedGen C0950123, MeSH D030342.

Allele frequency attached by ClinVar (database versions not stated): ExAC 0.00001; gnomAD exomes 0.00001; gnomAD 0.00009; TOPMed 0.00009.

Submissions (2):

Ambry Genetics
Classification: Uncertain significance for Inborn genetic diseases. Last evaluated: 2025-05-16. Review status: criteria provided, single submitter. Criteria: Ambry Variant Classification Scheme 2023. Collection method: clinical testing. Allele origin: germline.

GeneDx
Classification: Uncertain significance. Last evaluated: 2023-10-10. Review status: criteria provided, single submitter. Criteria: GeneDx Variant Classification Process June 2021. Collection method: clinical testing. Allele origin: germline. Affected: yes.
Comment: In silico analysis supports that this missense variant has a deleterious effect on protein structure/function; Has not been previously published as pathogenic or benign to our knowledge

NM_014875.3(KIF14):c.2216A>C (p.Glu739Ala)

Gene: KIF14 (kinesin family member 14; minus strand). Cytogenetic location: 1q32.1.
Variant type: single nucleotide variant.
Coding change: c.2216A>C on transcript NM_014875.3 (MANE Select); coding-DNA position 2216, A replaced by C.
Protein change: p.Glu739Ala; replaces glutamic acid 739 with alanine.
Molecular consequence: missense variant.
Genome position (GRCh38, 1-based): chr1:200,600,440, T>G on the plus strand (A>C on the coding strand, the complement: KIF14 is on the minus strand). VCF-style: chr1-200600440-T-G. GRCh37 (hg19) VCF-style: chr1-200569568-T-G.
Other names: c.743A>C, p.Glu248Ala (NM_001305792.1); short protein forms E248A, E739A.
Identifiers: ClinVar variation 2663497 (VCV002663497.2), dbSNP rs567055205, ClinGen allele CA1317576.
Genomic context (GRCh38, chr1:200,600,440, plus strand): 5'-TCCTGTTGATGCAGTTTCATTCTTAAGGATGTTATTTCTTGCCGACAGAGCCTGTATCGT[T>G]CAGGGTCAATATTCCGACTGTTTCTCTGAGCAGCTTTTAGCTTTGCAATTTCTGCCTTCA-3'
Protein context (NP_055690.1, residues 729-749): AQRNSRNIDP[Glu739Ala]RYRLCRQEIT